The following is an entry in ClinVar:

ClinVar aggregate classification (germline): Conflicting classifications of pathogenicity. Review status: criteria provided, conflicting classifications (1 of 4 stars). 2 submissions from 2 submitters: Uncertain significance (1); Likely benign (1). Last evaluated 2026-01-22.

Conditions:
Autosomal recessive limb-girdle muscular dystrophy type 2A (LGMDR1). Also called: Limb-girdle muscular dystrophy, type 2A; Calpainopathy; LEYDEN-MOEBIUS MUSCULAR DYSTROPHY; MUSCULAR DYSTROPHY, PELVOFEMORAL; Muscular dystrophy, limb-girdle, type 2A, Amish. Identifiers: Orphanet 267, MedGen C1869123, MONDO:0009675, OMIM 253600. Disease mechanism: loss of function.

Allele frequency attached by ClinVar (database versions not stated): gnomAD 0.00001; TOPMed 0.00001.
gnomAD v4.1: 13 of 1,614,146 alleles (0.00081%); highest among the groups gnomAD compares: Non-Finnish European, 0.0011%; no homozygotes.

Submissions (2):

Labcorp Genetics (formerly Invitae), Labcorp
Classification: Uncertain significance for Autosomal recessive limb-girdle muscular dystrophy type 2A. Last evaluated: 2026-01-22. Review status: criteria provided, single submitter. Criteria: Invitae Variant Classification Sherloc (09022015). Collection method: clinical testing. Allele origin: germline.
Comment: This sequence change replaces asparagine, which is neutral and polar, with lysine, which is basic and polar, at codon 271 of the CAPN3 protein (p.Asn271Lys). This variant is not present in population databases (gnomAD no frequency). This missense change has been observed in individual(s) with autosomal recessive CAPN3-related conditions (PMID: 33337384). ClinVar contains an entry for this variant (Variation ID: 421264). Invitae Evidence Modeling of protein sequence and biophysical properties (such as structural, functional, and spatial information, amino acid conservation, physicochemical variation, residue mobility, and thermodynamic stability) has been performed for this missense variant. However, the output from this modeling did not meet the statistical confidence thresholds required to predict the impact of this variant on CAPN3 protein function. In summary, the available evidence is currently insufficient to determine the role of this variant in disease. Therefore, it has been classified as a Variant of Uncertain Significance.

GeneDx
Classification: Likely benign. Last evaluated: 2020-06-08. Review status: criteria provided, single submitter. Criteria: GeneDx Variant Classification Process June 2021. Collection method: clinical testing. Allele origin: germline. Affected: yes.
Comment: Not observed in large population cohorts (Lek et al., 2016); In silico analysis supports that this missense variant does not alter protein structure/function; Has not been previously published as pathogenic or benign to our knowledge

Literature cited by the submitters: PubMed 33337384 (cited by Labcorp Genetics (formerly Invitae), Labcorp).

NM_000070.3(CAPN3):c.813C>G (p.Asn271Lys)

Gene: CAPN3 (calpain 3; plus strand). Cytogenetic location: 15q15.1.
Variant type: single nucleotide variant.
Coding change: c.813C>G on transcript NM_000070.3 (MANE Select); coding-DNA position 813, C replaced by G.
Protein change: p.Asn271Lys; replaces asparagine 271 with lysine.
Molecular consequence: missense variant. On other transcripts: intron variant (1).
Genome position (GRCh38, 1-based): chr15:42,389,964, C>G. VCF-style: chr15-42389964-C-G. GRCh37 (hg19) VCF-style: chr15-42682162-C-G.
Other names: c.813C>G, p.Asn271Lys (NM_024344.2); c.801+868C>G (NM_173087.2); short protein forms N271K.
Identifiers: ClinVar variation 421264 (VCV000421264.11), dbSNP rs765292152, ClinGen allele CA16619927.